The following is an entry in ClinVar:

NM_003737.4(DCHS1):c.7095del (p.Val2366fs)

Gene: DCHS1 (dachsous cadherin-related 1; minus strand). Cytogenetic location: 11p15.4.
Variant type: Deletion.
Coding change: c.7095del on transcript NM_003737.4 (MANE Select); coding-DNA position 7095, one base deleted (T; older notation c.7095delT).
Protein change: p.Val2366fs; shifts the reading frame from valine 2366.
Molecular consequence: frameshift variant.
Genome position (GRCh38, 1-based): chr11:6,625,249, A deleted on the plus strand (T on the coding strand, the reverse complement: DCHS1 is on the minus strand); the first of 2 consecutive A bases (chr11:6,625,249-6,625,250); deleting either gives the same sequence. VCF-style (leftmost placement, unchanged base first): chr11-6625248-CA-C. GRCh37 (hg19) VCF-style: chr11-6646479-CA-C.
Other names: short protein forms V2366fs.
Identifiers: ClinVar variation 2767517 (VCV002767517.3), dbSNP rs2493814875, ClinGen allele CA2697548415.

ClinVar aggregate classification (germline): Pathogenic (1 of 4 stars; one submission).

Submission:

Labcorp Genetics (formerly Invitae), Labcorp
Classification: Pathogenic. Last evaluated: 2023-10-10. Review status: criteria provided, single submitter. Criteria: Invitae Variant Classification Sherloc (09022015). Collection method: clinical testing. Allele origin: germline.
Comment: This sequence change creates a premature translational stop signal (p.Val2366Trpfs*18) in the DCHS1 gene. It is expected to result in an absent or disrupted protein product. Loss-of-function variants in DCHS1 are known to be pathogenic (PMID: 24056717, 26258302). This variant is not present in population databases (gnomAD no frequency). This variant has not been reported in the literature in individuals affected with DCHS1-related conditions. For these reasons, this variant has been classified as Pathogenic.

Literature cited by the submitters: PubMed 24056717; PubMed 26258302.